The following is an entry in ClinVar:

ClinVar aggregate classification (germline): Conflicting classifications of pathogenicity. Review status: criteria provided, conflicting classifications (1 of 4 stars). 5 submissions from 5 submitters: Uncertain significance (4); Likely benign (1). Last evaluated 2025-12-23.

Conditions:
Breast-ovarian cancer, familial, susceptibility to, 4. Identifiers: Orphanet 145, MedGen C3280345, MONDO:0013669, OMIM 614291.
Familial ovarian cancer. Identifiers: MedGen C5679802, MONDO:0016248.
Hereditary cancer-predisposing syndrome. Also called: Tumor predisposition; Hereditary Cancer Syndrome; Hereditary neoplastic syndrome; Neoplastic Syndromes, Hereditary. Identifiers: Orphanet 140162, MedGen C0027672, MeSH D009386, MONDO:0015356.

Allele frequency attached by ClinVar (database versions not stated): gnomAD 0.00001.
gnomAD v4.1: 2 of 1,542,380 alleles (0.00013%); highest among the groups gnomAD compares: Admixed American, 0.0017%; no homozygotes.

Submissions (5):

Labcorp Genetics (formerly Invitae), Labcorp
Classification: Uncertain significance for Breast-ovarian cancer, familial, susceptibility to, 4. Last evaluated: 2025-12-23. Review status: criteria provided, single submitter. Criteria: Invitae Variant Classification Sherloc (09022015). Collection method: clinical testing. Allele origin: germline.
Comment: This sequence change falls in intron 4 of the RAD51D gene. It does not directly change the encoded amino acid sequence of the RAD51D protein. It affects a nucleotide within the consensus splice site. This variant is not present in population databases (gnomAD no frequency). This variant has not been reported in the literature in individuals affected with RAD51D-related conditions. ClinVar contains an entry for this variant (Variation ID: 486282). Variants that disrupt the consensus splice site are a relatively common cause of aberrant splicing (PMID: 17576681, 9536098). Algorithms developed to predict the effect of sequence changes on RNA splicing suggest that this variant is not likely to affect RNA splicing. In summary, the available evidence is currently insufficient to determine the role of this variant in disease. Therefore, it has been classified as a Variant of Uncertain Significance.

Molecular Pathology, Peter Maccallum Cancer Centre
Classification: Uncertain significance for Familial ovarian cancer. Last evaluated: 2024-09-09. Review status: criteria provided, single submitter. Criteria: ACMG Guidelines, 2015. Collection method: clinical testing. Allele origin: germline. Inheritance: Autosomal dominant inheritance.

Ambry Genetics
Classification: Likely benign for Hereditary cancer-predisposing syndrome. Last evaluated: 2023-01-24. Review status: criteria provided, single submitter. Criteria: Ambry Variant Classification Scheme 2023. Collection method: clinical testing. Allele origin: germline.

Color Diagnostics, LLC DBA Color Health
Classification: Uncertain significance for Hereditary cancer-predisposing syndrome. Last evaluated: 2019-04-03. Review status: criteria provided, single submitter. Criteria: ACMG Guidelines, 2015. Collection method: clinical testing. Allele origin: germline.

Women's Health and Genetics/Laboratory Corporation of America, LabCorp
Classification: Uncertain significance. Last evaluated: 2017-03-16. Review status: criteria provided, single submitter. Criteria: LabCorp Variant Classification Summary - May 2015. Collection method: clinical testing. Allele origin: germline.
Comment: Variant summary: The RAD51D c.345+4C>T variant involves the alteration of a non-conserved intronic nucleotide. One in silico tool predicts a damaging outcome for this variant. 4/5 splice prediction tools predict no significant impact on normal splicing. However, these predictions have yet to be confirmed by functional studies. This variant is absent in 121314 control chromosomes. The variant of interest has not, to our knowledge, been reported in affected individuals via publications and/or reputable databases/clinical diagnostic laboratories; nor evaluated for functional impact by in vivo/vitro studies. Because of the absence of clinical information and the lack of functional studies, the variant is classified as a variant of uncertain significance (VUS) until additional information becomes available.

Literature cited by the submitters: PubMed 17576681 (cited by Labcorp Genetics (formerly Invitae), Labcorp); PubMed 9536098 (cited by Labcorp Genetics (formerly Invitae), Labcorp).

NM_002878.4(RAD51D):c.345+4C>T

Genes: RAD51L3-RFFL (RAD51L3-RFFL readthrough; minus strand), RAD51D (RAD51 paralog D; minus strand). Cytogenetic location: 17q12.
Variant type: single nucleotide variant.
Coding change: c.345+4C>T on transcript NM_002878.4 (MANE Select); 4 bases into the intron after coding-DNA position 345, C replaced by T.
Molecular consequence: intron variant.
Genome position (GRCh38, 1-based): chr17:35,107,362, G>A on the plus strand (C>T on the coding strand, the complement: RAD51D is on the minus strand). VCF-style: chr17-35107362-G-A. GRCh37 (hg19) VCF-style: chr17-33434381-G-A.
Other names: c.145-881C>T (NM_133629.3); c.405+4C>T (NM_001142571.2).
Identifiers: ClinVar variation 486282 (VCV000486282.19), dbSNP rs918947511, ClinGen allele CA289996890.